The following is an entry in ClinVar:

ClinVar aggregate classification (germline): Benign/Likely benign. Review status: criteria provided, multiple submitters, no conflicts (2 of 4 stars). 4 submissions from 4 submitters: Benign (1); Likely benign (3). Last evaluated 2025-12-15.

Conditions:
Brugada syndrome. Also called: Sudden unexplained nocturnal death syndrome; Sudden unexpected nocturnal death syndrome; Sudden Unexplained Death Syndrome; Sudden Unexplained Nocturnal Death Syndrome (SUNDS). Identifiers: Orphanet 130, MedGen C1142166, MONDO:0015263.
Cardiovascular phenotype. Identifiers: MedGen CN230736.

Allele frequency attached by ClinVar (database versions not stated): gnomAD 0.00019 and 0.00025; ExAC 0.00039; TOPMed 0.00041; 1000 Genomes Project 30x 0.00047; 1000 Genomes Project 0.00060.
gnomAD v4.1: 293 of 1,613,952 alleles (0.018%); highest among the groups gnomAD compares: East Asian, 0.56%; 2 homozygotes.

Submissions (4):

Labcorp Genetics (formerly Invitae), Labcorp
Classification: Benign for Brugada syndrome. Last evaluated: 2025-12-15. Review status: criteria provided, single submitter. Criteria: Invitae Variant Classification Sherloc (09022015). Collection method: clinical testing. Allele origin: germline.

Women's Health and Genetics/Laboratory Corporation of America, LabCorp
Classification: Likely benign. Last evaluated: 2024-07-28. Review status: criteria provided, single submitter. Criteria: LabCorp Variant Classification Summary - May 2015. Collection method: clinical testing. Allele origin: germline.

Ambry Genetics
Classification: Likely benign for Cardiovascular phenotype. Last evaluated: 2020-12-14. Review status: criteria provided, single submitter. Criteria: Ambry Variant Classification Scheme 2023. Collection method: clinical testing. Allele origin: germline.

GeneDx
Classification: Likely benign. Last evaluated: 2018-03-30. Review status: criteria provided, single submitter. Criteria: GeneDx Variant Classification (06012015). Collection method: clinical testing. Allele origin: germline. Affected: yes.
Comment: This variant is considered likely benign or benign based on one or more of the following criteria: it is a conservative change, it occurs at a poorly conserved position in the protein, it is predicted to be benign by multiple in silico algorithms, and/or has population frequency not consistent with disease.

Literature cited by the submitters: PubMed 12097481 (cited by Ambry Genetics); PubMed 28074849 (cited by Ambry Genetics); PubMed 29992996 (cited by Ambry Genetics).

NM_006514.4(SCN10A):c.53C>T (p.Pro18Leu)

Gene: SCN10A (sodium voltage-gated channel alpha subunit 10; minus strand). Cytogenetic location: 3p22.2.
Variant type: single nucleotide variant.
Coding change: c.53C>T on transcript NM_006514.4 (MANE Select); coding-DNA position 53, C replaced by T.
Protein change: p.Pro18Leu; replaces proline 18 with leucine.
Molecular consequence: missense variant.
Genome position (GRCh38, 1-based): chr3:38,793,958, G>A on the plus strand (C>T on the coding strand, the complement: SCN10A is on the minus strand). VCF-style: chr3-38793958-G-A. GRCh37 (hg19) VCF-style: chr3-38835449-G-A.
Other names: c.53C>T, p.Pro18Leu (NM_001293306.2, NM_001293307.2); short protein forms P18L.
Identifiers: ClinVar variation 414624 (VCV000414624.14), dbSNP rs190176472, ClinGen allele CA2321311.